The following is an entry in ClinVar:

NM_001042492.3(NF1):c.4378C>A (p.His1460Asn)

Gene: NF1 (neurofibromin 1; plus strand). Cytogenetic location: 17q11.2.
Variant type: single nucleotide variant.
Coding change: c.4378C>A on transcript NM_001042492.3 (MANE Select); coding-DNA position 4378, C replaced by A.
Protein change: p.His1460Asn; replaces histidine 1460 with asparagine.
Molecular consequence: missense variant.
Genome position (GRCh38, 1-based): chr17:31,259,077, C>A. VCF-style: chr17-31259077-C-A. GRCh37 (hg19) VCF-style: chr17-29586095-C-A.
Other names: c.4315C>A, p.His1439Asn (NM_000267.4); short protein forms H1460N, H1439N.
Identifiers: ClinVar variation 851817 (VCV000851817.6), dbSNP rs377295676, ClinGen allele CA398998833.

ClinVar aggregate classification (germline): Uncertain significance (1 of 4 stars; one submission).

Conditions:
Neurofibromatosis, type 1 (NF1). Also called: Neurofibromatosis, type I; VON RECKLINGHAUSEN DISEASE; Peripheral type neurofibromatosis; NEUROFIBROMATOSIS, TYPE I, SOMATIC. Identifiers: Orphanet 636, MedGen C0027831, MONDO:0018975, OMIM 162200. Disease mechanism: loss of function.

Submission:

Labcorp Genetics (formerly Invitae), Labcorp
Classification: Uncertain significance for Neurofibromatosis, type 1. Last evaluated: 2025-06-09. Review status: criteria provided, single submitter. Criteria: Invitae Variant Classification Sherloc (09022015). Collection method: clinical testing. Allele origin: germline.
Comment: This sequence change replaces histidine, which is basic and polar, with asparagine, which is neutral and polar, at codon 1439 of the NF1 protein (p.His1439Asn). This variant is not present in population databases (gnomAD no frequency). This variant has not been reported in the literature in individuals affected with NF1-related conditions. ClinVar contains an entry for this variant (Variation ID: 851817). Invitae Evidence Modeling of protein sequence and biophysical properties (such as structural, functional, and spatial information, amino acid conservation, physicochemical variation, residue mobility, and thermodynamic stability) has been performed for this missense variant. However, the output from this modeling did not meet the statistical confidence thresholds required to predict the impact of this variant on NF1 protein function. This variant disrupts the p.His1439 amino acid residue in NF1. Other variant(s) that disrupt this residue have been observed in individuals with NF1-related conditions (PMID: 23668869, 27716896), which suggests that this may be a clinically significant amino acid residue. In summary, the available evidence is currently insufficient to determine the role of this variant in disease. Therefore, it has been classified as a Variant of Uncertain Significance.

Literature cited by the submitters: PubMed 23668869; PubMed 27716896.